The following is an entry in ClinVar:

NM_001199267.2(DGKZ):c.1949G>A (p.Arg650His)

Gene: DGKZ (diacylglycerol kinase zeta; plus strand). Cytogenetic location: 11p11.2.
Variant type: single nucleotide variant.
Coding change: c.1949G>A on transcript NM_001199267.2 (MANE Select); coding-DNA position 1949, G replaced by A.
Protein change: p.Arg650His; replaces arginine 650 with histidine.
Molecular consequence: missense variant.
Genome position (GRCh38, 1-based): chr11:46,375,892, G>A. VCF-style: chr11-46375892-G-A. GRCh37 (hg19) VCF-style: chr11-46397442-G-A.
Other names: c.2516G>A, p.Arg839His (NM_001105540.2); c.1952G>A, p.Arg651His (NM_001199266.2, NM_003646.4); c.1883G>A, p.Arg628His (NM_001199268.2); c.2000G>A, p.Arg667His (NM_201532.3); c.1964G>A, p.Arg655His (NM_201533.3); short protein forms R628H, R650H, R655H, R667H, R839H, R651H.
Identifiers: ClinVar variation 1421926 (VCV001421926.8), dbSNP rs781425439, ClinGen allele CA5963009.
Genomic context (GRCh38, chr11:46,375,892, plus strand): 5'-TGCCGGCCCTGCCCGACAGCCAGCAGCCGGTGCCAGAGCAGTTGCGCATCCAGGTGAGTC[G>A]CGTCAGCATGCACGACTATGAGGCCCTGCACTACGACAAGGAGCAGCTCAAGGAGGCCTG-3'
Protein context (NP_001186196.1, residues 640-660): VPEQLRIQVS[Arg650His]VSMHDYEALH

ClinVar aggregate classification (germline): Uncertain significance (1 of 4 stars; one submission).

Allele frequency attached by ClinVar (database versions not stated): gnomAD 0.00003 and 0.00005; gnomAD exomes 0.00003 and 0.00007; TOPMed 0.00003; ExAC 0.00010.
gnomAD v4.1: 107 of 1,584,814 alleles (0.0068%); highest among the groups gnomAD compares: East Asian, 0.17%; no homozygotes.

Submission:

Labcorp Genetics (formerly Invitae), Labcorp
Classification: Uncertain significance. Last evaluated: 2021-06-25. Review status: criteria provided, single submitter. Criteria: Invitae Variant Classification Sherloc (09022015). Collection method: clinical testing. Allele origin: germline.
Comment: In summary, the available evidence is currently insufficient to determine the role of this variant in disease. Therefore, it has been classified as a Variant of Uncertain Significance. Algorithms developed to predict the effect of missense changes on protein structure and function are either unavailable or do not agree on the potential impact of this missense change (SIFT: "Deleterious"; PolyPhen-2: "Possibly Damaging"; Align-GVGD: "Class C0"). This sequence change replaces arginine with histidine at codon 839 of the DGKZ protein (p.Arg839His). The arginine residue is highly conserved and there is a small physicochemical difference between arginine and histidine. This variant is present in population databases (rs781425439, ExAC 0.2%). This variant has not been reported in the literature in individuals with DGKZ-related conditions.